The following is an entry in ClinVar:

NM_174934.4(SCN4B):c.40T>G (p.Trp14Gly)

Gene: SCN4B (sodium voltage-gated channel beta subunit 4; minus strand). Cytogenetic location: 11q23.3.
Variant type: single nucleotide variant.
Coding change: c.40T>G on transcript NM_174934.4 (MANE Select); coding-DNA position 40, T replaced by G.
Protein change: p.Trp14Gly; replaces tryptophan 14 with glycine.
Molecular consequence: missense variant.
Genome position (GRCh38, 1-based): chr11:118,152,634, A>C on the plus strand (T>G on the coding strand, the complement: SCN4B is on the minus strand). VCF-style: chr11-118152634-A-C. GRCh37 (hg19) VCF-style: chr11-118023349-A-C.
Other names: c.40T>G, p.Trp14Gly (NM_001142348.2); short protein forms W14G.
Identifiers: ClinVar variation 663765 (VCV000663765.11), dbSNP rs946169910, ClinGen allele CA229493254.

ClinVar aggregate classification (germline): Uncertain significance. Review status: criteria provided, multiple submitters, no conflicts (2 of 4 stars). 3 submissions from 3 submitters: Uncertain significance (3). Last evaluated 2022-02-04.

Conditions:
Cardiovascular phenotype. Identifiers: MedGen CN230736.
Long QT syndrome 10 (LQT10). Identifiers: Orphanet 101016, Orphanet 768, MedGen C2678484, MONDO:0012737, OMIM 611819.

Allele frequency attached by ClinVar (database versions not stated): gnomAD 0.00001; TOPMed 0.00001.
gnomAD v4.1: 16 of 1,612,566 alleles (0.00099%); highest among the groups gnomAD compares: Non-Finnish European, 0.0014%; no homozygotes.

Submissions (3):

Labcorp Genetics (formerly Invitae), Labcorp
Classification: Uncertain significance for Long QT syndrome 10. Last evaluated: 2022-02-04. Review status: criteria provided, single submitter. Criteria: Invitae Variant Classification Sherloc (09022015). Collection method: clinical testing. Allele origin: germline.
Comment: In summary, the available evidence is currently insufficient to determine the role of this variant in disease. Therefore, it has been classified as a Variant of Uncertain Significance. Algorithms developed to predict the effect of missense changes on protein structure and function are either unavailable or do not agree on the potential impact of this missense change (SIFT: "Tolerated"; PolyPhen-2: "Probably Damaging"; Align-GVGD: "Class C0"). ClinVar contains an entry for this variant (Variation ID: 663765). This variant has not been reported in the literature in individuals affected with SCN4B-related conditions. This variant is not present in population databases (gnomAD no frequency). This sequence change replaces tryptophan, which is neutral and slightly polar, with glycine, which is neutral and non-polar, at codon 14 of the SCN4B protein (p.Trp14Gly).

Ambry Genetics
Classification: Uncertain significance for Cardiovascular phenotype. Last evaluated: 2021-10-16. Review status: criteria provided, single submitter. Criteria: Ambry Variant Classification Scheme 2023. Collection method: clinical testing. Allele origin: germline.
Comment: The p.W14G variant (also known as c.40T>G), located in coding exon 1 of the SCN4B gene, results from a T to G substitution at nucleotide position 40. The tryptophan at codon 14 is replaced by glycine, an amino acid with highly dissimilar properties. This amino acid position is conserved. In addition, this alteration is predicted to be deleterious by in silico analysis. Since supporting evidence is limited at this time, the clinical significance of this alteration remains unclear.

Fulgent Genetics
Classification: Uncertain significance for Long QT syndrome 10. Last evaluated: 2021-07-21. Review status: criteria provided, single submitter. Criteria: ACMG Guidelines, 2015. Collection method: clinical testing. Allele origin: unknown.